The following is an entry in ClinVar:

NM_001378457.1(DMXL2):c.6566A>G (p.Glu2189Gly)

Gene: DMXL2 (Dmx like 2; minus strand). Cytogenetic location: 15q21.2.
Variant type: single nucleotide variant.
Coding change: c.6566A>G on transcript NM_001378457.1 (MANE Select); coding-DNA position 6566, A replaced by G.
Protein change: p.Glu2189Gly; replaces glutamic acid 2189 with glycine.
Molecular consequence: missense variant. On other transcripts: non-coding transcript variant (2).
Genome position (GRCh38, 1-based): chr15:51,480,138, T>C on the plus strand (A>G on the coding strand, the complement: DMXL2 is on the minus strand). VCF-style: chr15-51480138-T-C. GRCh37 (hg19) VCF-style: chr15-51772335-T-C.
Other names: c.6566A>G, p.Glu2189Gly (NM_001174116.3, NM_001378458.1, NM_001378459.1 and 4 more transcripts); c.4658A>G, p.Glu1553Gly (NM_001174117.3); c.4547A>G, p.Glu1516Gly (NM_001378460.1); c.6326A>G, p.Glu2109Gly (NM_001378464.1); short protein forms E1516G, E1553G, E2189G, E2109G.
Identifiers: ClinVar variation 2098871 (VCV002098871.4), dbSNP rs2548443559, ClinGen allele CA392443185.

ClinVar aggregate classification (germline): Uncertain significance (1 of 4 stars; one submission).

Allele frequency attached by ClinVar (database versions not stated): gnomAD exomes 0.00001.
gnomAD v4.1: 3 of 1,524,410 alleles (0.0002%); highest among the groups gnomAD compares: Non-Finnish European, 0.00027%; no homozygotes.

Submission:

Labcorp Genetics (formerly Invitae), Labcorp
Classification: Uncertain significance. Last evaluated: 2024-10-16. Review status: criteria provided, single submitter. Criteria: Invitae Variant Classification Sherloc (09022015). Collection method: clinical testing. Allele origin: germline.
Comment: This sequence change replaces glutamic acid, which is acidic and polar, with glycine, which is neutral and non-polar, at codon 2189 of the DMXL2 protein (p.Glu2189Gly). This variant is not present in population databases (gnomAD no frequency). This missense change has been observed in individual(s) with deafness (PMID: 33229591). ClinVar contains an entry for this variant (Variation ID: 2098871). An algorithm developed to predict the effect of missense changes on protein structure and function (PolyPhen-2) suggests that this variant is likely to be disruptive. In summary, the available evidence is currently insufficient to determine the role of this variant in disease. Therefore, it has been classified as a Variant of Uncertain Significance.

Literature cited by the submitters: PubMed 33229591.